The following is an entry in ClinVar:

ClinVar aggregate classification (germline): Likely benign (1 of 4 stars; one submission).

gnomAD v4.1: 1,533 of 1,367,596 alleles (0.11%); highest among the groups gnomAD compares: East Asian, 0.073%; 14 homozygotes.

Submission:

CeGaT Center for Human Genetics Tuebingen
Classification: Likely benign. Last evaluated: 2025-06-01. Review status: criteria provided, single submitter. Criteria: CeGaT Center For Human Genetics Tuebingen Variant Classification Criteria Version 2. Collection method: clinical testing. Allele origin: germline. Affected: yes. Observed: 1 variant allele.
Comment: TTLL8: BP4

NM_001350317.3(TTLL8):c.310G>A (p.Ala104Thr)

Gene: TTLL8 (tubulin tyrosine ligase like 8; minus strand). Cytogenetic location: 22q13.33.
Variant type: single nucleotide variant.
Coding change: c.310G>A on transcript NM_001350317.3 (MANE Select); coding-DNA position 310, G replaced by A.
Protein change: p.Ala104Thr; replaces alanine 104 with threonine.
Molecular consequence: missense variant.
Genome position (GRCh38, 1-based): chr22:50,049,311, C>T on the plus strand (G>A on the coding strand, the complement: TTLL8 is on the minus strand). VCF-style: chr22-50049311-C-T. GRCh37 (hg19) VCF-style: chr22-50487740-C-T.
Other names: short protein forms A104T.
Identifiers: ClinVar variation 3904888 (VCV003904888.10).